The following is an entry in ClinVar:

ClinVar aggregate classification (germline): Likely benign. Review status: criteria provided, multiple submitters, no conflicts (2 of 4 stars). 3 submissions from 3 submitters: Likely benign (3). Last evaluated 2026-01-05.

Conditions:
Renal tubular dysgenesis of genetic origin. Also called: PRIMITIVE RENAL TUBULE SYNDROME. Identifiers: Orphanet 97369, MedGen C5681536, MONDO:0009970, OMIM 267430.
ACE-related disorder. Also called: ACE-related condition; ACE-related disorders.

Allele frequency attached by ClinVar (database versions not stated): ESP Exome Variant Server 0.00054; TOPMed 0.00067; gnomAD 0.00075; ExAC 0.00076; 1000 Genomes Project 30x 0.00078; 1000 Genomes Project 0.00080; gnomAD exomes 0.00107.
gnomAD v4.1: 1,671 of 1,613,976 alleles (0.1%); highest among the groups gnomAD compares: Admixed American, 0.13%; 4 homozygotes.

Submissions (3):

Labcorp Genetics (formerly Invitae), Labcorp
Classification: Likely benign. Last evaluated: 2026-01-05. Review status: criteria provided, single submitter. Criteria: Invitae Variant Classification Sherloc (09022015). Collection method: clinical testing. Allele origin: germline.

PreventionGenetics, part of Exact Sciences
Classification: Likely benign for ACE-related condition. Last evaluated: 2025-01-21. Review status: criteria provided, single submitter. Criteria: ACMG Guidelines, 2015. Collection method: clinical testing. Allele origin: germline.
Comment: This variant is classified as likely benign based on ACMG/AMP sequence variant interpretation guidelines (Richards et al. 2015 PMID: 25741868, with internal and published modifications).

Department of Pathology and Laboratory Medicine, Sinai Health System
Classification: Likely benign for renal tubular dysgenesis of genetic origin. Last evaluated: 2021-07-30. Review status: criteria provided, single submitter. Criteria: ACMG Guidelines, 2015. Collection method: research. Allele origin: germline.

NM_000789.4(ACE):c.1142C>T (p.Thr381Met)

Gene: ACE (angiotensin I converting enzyme; plus strand). Cytogenetic location: 17q23.3.
Variant type: single nucleotide variant.
Coding change: c.1142C>T on transcript NM_000789.4 (MANE Select); coding-DNA position 1142, C replaced by T.
Protein change: p.Thr381Met; replaces threonine 381 with methionine.
Molecular consequence: missense variant.
Genome position (GRCh38, 1-based): chr17:63,482,489, C>T. VCF-style: chr17-63482489-C-T. GRCh37 (hg19) VCF-style: chr17-61559850-C-T.
Other names: c.575C>T, p.Thr192Met (NM_001382700.1); c.290C>T, p.Thr97Met (NM_001382701.1); c.1142C>T (NM_000789.3); short protein forms T97M, T381M, T192M.
Identifiers: ClinVar variation 2079524 (VCV002079524.6), dbSNP rs150466411, ClinGen allele CA8699426.
Genomic context (GRCh38, chr17:63,482,489, plus strand): 5'-ATCCGTCACTCTCACCCTCGCCCTCTCTACGCCCCAGGATCAAGCAGTGCACACGGGTCA[C>T]GATGGACCAGCTCTCCACAGTGCACCATGAGATGGGCCATATACAGTACTACCTGCAGTA-3'
Protein context (NP_000780.1, residues 371-391): DFRIKQCTRV[Thr381Met]MDQLSTVHHE